The following is an entry in ClinVar:

ClinVar aggregate classification (germline): Conflicting classifications of pathogenicity. Review status: criteria provided, conflicting classifications (1 of 4 stars). 7 submissions from 7 submitters: Pathogenic (1); Likely pathogenic (4); Uncertain significance (1). 1 of the submissions does not count toward it. Last evaluated 2026-01-19.

Conditions:
TGM1-related disorder. Also called: TGM1-related condition.
Autosomal recessive congenital ichthyosis 1 (LI1). Also called: ICHTHYOSIS, CONGENITAL, AUTOSOMAL RECESSIVE 1, WITH BATHING SUIT DISTRIBUTION; ICHTHYOSIS, CONGENITAL, AUTOSOMAL RECESSIVE 1, WITH OR WITHOUT BATHING SUIT DISTRIBUTION; COLLODION FETUS; DESQUAMATION OF NEWBORN; ICHTHYOSIS CONGENITA; ICHTHYOSIS CONGENITA II. Identifiers: MedGen C4551630, MONDO:0009441, OMIM 242300.

Allele frequency attached by ClinVar (database versions not stated): gnomAD 0.00001; gnomAD exomes 0.00001 and 0.00002; TOPMed 0.00001.

Submissions (7):

Labcorp Genetics (formerly Invitae), Labcorp
Classification: Pathogenic. Last evaluated: 2026-01-19. Review status: criteria provided, single submitter. Criteria: Invitae Variant Classification Sherloc (09022015). Collection method: clinical testing. Allele origin: germline.
Comment: This sequence change replaces arginine, which is basic and polar, with cysteine, which is neutral and slightly polar, at codon 764 of the TGM1 protein (p.Arg764Cys). This variant is present in population databases (rs201853046, gnomAD 0.02%). This missense change has been observed in individual(s) with TGM1-related conditions (PMID: 16908342, 23621129, 33786896). In at least one individual the data is consistent with being in trans (on the opposite chromosome) from a pathogenic variant. ClinVar contains an entry for this variant (Variation ID: 552621). Invitae Evidence Modeling of protein sequence and biophysical properties (such as structural, functional, and spatial information, amino acid conservation, physicochemical variation, residue mobility, and thermodynamic stability) has been performed for this missense variant. However, the output from this modeling did not meet the statistical confidence thresholds required to predict the impact of this variant on TGM1 protein function. For these reasons, this variant has been classified as Pathogenic.

Natera, Inc.
Classification: Likely pathogenic for Autosomal recessive congenital ichthyosis type 1. Last evaluated: 2025-07-26. Review status: criteria provided, single submitter. Criteria: Natera Variant Classification Schema (03/2026). Collection method: clinical testing. Allele origin: germline.
Comment: The c.2290C>T variant in TGM1 is a missense variant predicted to cause substitution of arginine to cysteine at amino acid 764. This variant is rare in the general population with a frequency below the threshold expected for the associated phenotype(s). This variant has been observed in one or more individuals affected with the associated recessive disease, as either homozygous or compound heterozygous with a second variant (PMID: 30578701, 23621129, 16908342). This variant has been identified in one or more affected individuals with a phenotype highly consistent with the associated gene (PMID: 30578701, 23621129, 16908342). Computational prediction algorithms indicate this variant is likely to affect gene or protein function. Given the available evidence, this variant is classified as Likely Pathogenic.

PreventionGenetics, part of Exact Sciences
Classification: Likely pathogenic for TGM1-related condition. Last evaluated: 2024-10-25. Review status: criteria provided, single submitter. Criteria: ACMG Guidelines, 2015. Collection method: clinical testing. Allele origin: germline.
Comment: The TGM1 c.2290C>T variant is predicted to result in the amino acid substitution p.Arg764Cys. This variant was reported in homozygous and compound heterozygous state in several individuals with Ichthyosis (Mizrachi-Koren et al. 2006. PubMed ID: 16908342; Table 1, Israeli et al. 2013. PubMed ID: 23621129; Table S3, Mohamad et al. 2021. PubMed ID: 33786896). This variant is reported in 0.029% of alleles in individuals of Ashkenazi Jewish descent in gnomAD. This variant is interpreted as likely pathogenic.

Laboratorio de Genetica e Diagnostico Molecular, Hospital Israelita Albert Einstein
Classification: Likely pathogenic for Autosomal recessive congenital ichthyosis 1. Last evaluated: 2024-03-07. Review status: criteria provided, single submitter. Criteria: ACMG Guidelines, 2015. Collection method: clinical testing. Allele origin: germline. Affected: yes.
Comment: ACMG classification criteria: PM2 supporting, PM3 strong, PP3 supporting

3billion
Classification: Likely pathogenic for Autosomal recessive congenital ichthyosis 1. Last evaluated: 2022-01-03. Review status: criteria provided, single submitter. Criteria: ACMG Guidelines, 2015. Collection method: clinical testing. Allele origin: germline. Affected: yes. Observed: 1 homozygote.
Comment: Same nucleotide change resulting in same amino acid change has been previously reported to be associated with TGM1 related disorder (ClinVar ID: VCV000552621, PMID:16908342, PS1_P). The variant has been reported to be in trans with a pathogenic variant as either compound heterozygous or homozygous in at least one similarly affected unrelated individual (PMID: 23621129, PM3_M). In silico tool predictions suggest damaging effect of the variant on gene or gene product (REVEL: 0.717, PP3_P). Missense changes are a common disease-causing mechanism (PP2_P). It is observed at an extremely low frequency in the gnomAD v2.1.1 dataset (total allele frequency: 0.000021, PM2_M). Therefore, this variant is classified as likely pathogenic according to the recommendation of ACMG/AMP guideline.

GeneDx
Classification: Uncertain significance. Last evaluated: 2019-09-11. Review status: criteria provided, single submitter. Criteria: GeneDx Variant Classification Process June 2021. Collection method: clinical testing. Allele origin: germline. Affected: yes.
Comment: In silico analysis, which includes protein predictors and evolutionary conservation, supports a deleterious effect; This variant is associated with the following publications: (PMID: 16908342, 23621129, 26620441, 31589614)

Counsyl
Classification: Likely pathogenic for Autosomal recessive congenital ichthyosis 1. Last evaluated: 2017-06-26. Review status: no assertion criteria provided. Collection method: clinical testing. Allele origin: unknown. Not counted in ClinVar's aggregate classification.

Literature cited by the submitters: PubMed 16908342 (cited by 4 submitters); PubMed 23621129 (cited by 4 submitters); PubMed 33786896 (cited by Labcorp Genetics (formerly Invitae), Labcorp); PubMed 30578701 (cited by Natera, Inc.); PubMed 26620441 (cited by Counsyl).

NM_000359.3(TGM1):c.2290C>T (p.Arg764Cys)

Gene: TGM1 (transglutaminase 1; minus strand). Cytogenetic location: 14q12.
Variant type: single nucleotide variant.
Coding change: c.2290C>T on transcript NM_000359.3 (MANE Select); coding-DNA position 2290, C replaced by T.
Protein change: p.Arg764Cys; replaces arginine 764 with cysteine.
Molecular consequence: missense variant.
Genome position (GRCh38, 1-based): chr14:24,249,477, G>A on the plus strand (C>T on the coding strand, the complement: TGM1 is on the minus strand). VCF-style: chr14-24249477-G-A. GRCh37 (hg19) VCF-style: chr14-24718683-G-A.
Other names: short protein forms R764C.
Identifiers: ClinVar variation 552621 (VCV000552621.16), dbSNP rs201853046, ClinGen allele CA257888039.